The following is an entry in ClinVar:

ClinVar aggregate classification (germline): Pathogenic (1 of 4 stars; one submission).

Conditions:
Mucopolysaccharidosis, MPS-III-C (MPS3C). Also called: MPS III C; MUCOPOLYSACCHARIDOSIS, TYPE IIIC; SANFILIPPO SYNDROME C; Mucopolysaccharidosis type IIIC (Sanfilippo C); mucopolysaccharidosis type 3C; MPS IIIC (Sanfilippo Syndrome Type C). Identifiers: Orphanet 581, Orphanet 79271, MedGen C0086649, MONDO:0009657, OMIM 252930.

Submission:

Myriad Genetics, Inc.
Classification: Pathogenic for Mucopolysaccharidosis, MPS-III-C. Last evaluated: 2026-05-06. Review status: criteria provided, single submitter. Criteria: Myriad Autosomal Dominant, Autosomal Recessive and X-Linked Classification Criteria (2023). Collection method: clinical testing. Allele origin: unknown.
Comment: NM_152419.2(HGSNAT):c.1507delA(I503Sfs*2) is expected to be pathogenic in the context of mucopolysaccharidosis type IIIC. This variant is predicted to lead to an abnormal or absent protein product due to the creation of a premature termination codon in HGSNAT, a gene where loss-of-function variants are known to be pathogenic. Please note: this variant was assessed in the context of healthy population screening.

NM_152419.3(HGSNAT):c.1507del (p.Ile503fs)

Gene: HGSNAT (heparan-alpha-glucosaminide N-acetyltransferase; plus strand). Cytogenetic location: 8p11.21.
Variant type: Deletion.
Coding change: c.1507del on transcript NM_152419.3 (MANE Select); coding-DNA position 1507, one base deleted (A; older notation c.1507delA).
Protein change: p.Ile503fs; shifts the reading frame from isoleucine 503.
Molecular consequence: frameshift variant.
Genome position (GRCh38, 1-based): chr8:43,196,990, A deleted. VCF-style (leftmost placement, unchanged base first): chr8-43196989-CA-C. GRCh37 (hg19) VCF-style: chr8-43052132-CA-C.
Other names: c.1594del, p.Ile532fs (NM_001363227.2); c.1315del, p.Ile439fs (NM_001363228.2); c.643del, p.Ile215fs (NM_001363229.2); short protein forms I215fs, I439fs, I503fs, I532fs.
Identifiers: ClinVar variation 5015881 (VCV005015881.1).